The following is an entry in ClinVar:

ClinVar aggregate classification (germline): Uncertain significance. Review status: criteria provided, multiple submitters, no conflicts (2 of 4 stars). 3 submissions from 3 submitters: Uncertain significance (3). Last evaluated 2025-05-06.

Conditions:
Hereditary cancer-predisposing syndrome. Also called: Hereditary Cancer Syndrome; Hereditary neoplastic syndrome; Tumor predisposition; Neoplastic Syndromes, Hereditary. Identifiers: Orphanet 140162, MedGen C0027672, MeSH D009386, MONDO:0015356.
Renal cell carcinoma. Identifiers: Orphanet 217071, MedGen C0007134, MeSH D002292, MONDO:0005086, HP:0005584.

Submissions (3):

Ambry Genetics
Classification: Uncertain significance for Hereditary cancer-predisposing syndrome. Last evaluated: 2025-05-06. Review status: criteria provided, single submitter. Criteria: Ambry Variant Classification Scheme 2023. Collection method: clinical testing. Allele origin: germline.
Comment: The p.N1032S variant (also known as c.3095A>G), located in coding exon 14 of the MET gene, results from an A to G substitution at nucleotide position 3095. The asparagine at codon 1032 is replaced by serine, an amino acid with highly similar properties. This amino acid position is conserved. In addition, this alteration is predicted to be tolerated by in silico analysis. Based on the available evidence, the clinical significance of this variant remains unclear.

Center for Genomic Medicine, Rigshospitalet, Copenhagen University Hospital
Classification: Uncertain significance. Last evaluated: 2025-03-04. Review status: criteria provided, single submitter. Criteria: ACMG Guidelines, 2015. Collection method: clinical testing. Allele origin: germline.

Labcorp Genetics (formerly Invitae), Labcorp
Classification: Uncertain significance for Renal cell carcinoma. Last evaluated: 2022-01-12. Review status: criteria provided, single submitter. Criteria: Invitae Variant Classification Sherloc (09022015). Collection method: clinical testing. Allele origin: germline.
Comment: In summary, the available evidence is currently insufficient to determine the role of this variant in disease. Therefore, it has been classified as a Variant of Uncertain Significance. Algorithms developed to predict the effect of missense changes on protein structure and function are either unavailable or do not agree on the potential impact of this missense change (SIFT: "Tolerated"; PolyPhen-2: "Possibly Damaging"; Align-GVGD: "Class C0"). This sequence change replaces asparagine, which is neutral and polar, with serine, which is neutral and polar, at codon 1032 of the MET protein (p.Asn1032Ser). This variant is not present in population databases (gnomAD no frequency). This variant has not been reported in the literature in individuals affected with MET-related conditions.

NM_000245.4(MET):c.3041A>G (p.Asn1014Ser)

Gene: MET (MET proto-oncogene, receptor tyrosine kinase; plus strand). Cytogenetic location: 7q31.2.
Variant type: single nucleotide variant.
Coding change: c.3041A>G on transcript NM_000245.4 (MANE Select); coding-DNA position 3041, A replaced by G.
Protein change: p.Asn1014Ser; replaces asparagine 1014 with serine.
Molecular consequence: missense variant.
Genome position (GRCh38, 1-based): chr7:116,774,893, A>G. VCF-style: chr7-116774893-A-G. GRCh37 (hg19) VCF-style: chr7-116414947-A-G.
Other names: c.3095A>G, p.Asn1032Ser (NM_001127500.3); c.1751A>G, p.Asn584Ser (NM_001324402.2); c.3095A>G (NM_001127500.1); short protein forms N1032S, N1014S, N584S.
Identifiers: ClinVar variation 1397239 (VCV001397239.15), dbSNP rs2117029538, ClinGen allele CA368987783.